The following is an entry in ClinVar:

NM_000245.4(MET):c.1039G>T (p.Ala347Ser)

Gene: MET (MET proto-oncogene, receptor tyrosine kinase; plus strand). Cytogenetic location: 7q31.2.
Variant type: single nucleotide variant.
Coding change: c.1039G>T on transcript NM_000245.4 (MANE Select); coding-DNA position 1039, G replaced by T.
Protein change: p.Ala347Ser; replaces alanine 347 with serine.
Molecular consequence: missense variant. On other transcripts: intron variant (1).
Genome position (GRCh38, 1-based): chr7:116,700,123, G>T. VCF-style: chr7-116700123-G-T. GRCh37 (hg19) VCF-style: chr7-116340177-G-T.
Other names: c.1039G>T, p.Ala347Ser (NM_001127500.3, NM_001324401.3); c.-91+27546G>T (NM_001324402.2); short protein forms A347S.
Identifiers: ClinVar variation 2995352 (VCV002995352.3), dbSNP rs200074800, ClinGen allele CA368970406.
Genomic context (GRCh38, chr7:116,700,123, plus strand): 5'-GCCCAGCTTGCTAGACAAATAGGAGCCAGCCTGAATGATGACATTCTTTTCGGGGTGTTC[G>T]CACAAAGCAAGCCAGATTCTGCCGAACCAATGGATCGATCTGCCATGTGTGCATTCCCTA-3'
Protein context (NP_000236.2, residues 337-357): LNDDILFGVF[Ala347Ser]QSKPDSAEPM

ClinVar aggregate classification (germline): Uncertain significance (1 of 4 stars; one submission).

Conditions:
Renal cell carcinoma. Identifiers: Orphanet 217071, MedGen C0007134, MeSH D002292, MONDO:0005086, HP:0005584.

gnomAD v4.1: 2 of 1,605,066 alleles (0.00012%); highest among the groups gnomAD compares: South Asian, 0.0011%; no homozygotes.

Submission:

Labcorp Genetics (formerly Invitae), Labcorp
Classification: Uncertain significance for Renal cell carcinoma. Last evaluated: 2023-07-29. Review status: criteria provided, single submitter. Criteria: Invitae Variant Classification Sherloc (09022015). Collection method: clinical testing. Allele origin: germline.
Comment: In summary, the available evidence is currently insufficient to determine the role of this variant in disease. Therefore, it has been classified as a Variant of Uncertain Significance. Advanced modeling of protein sequence and biophysical properties (such as structural, functional, and spatial information, amino acid conservation, physicochemical variation, residue mobility, and thermodynamic stability) performed at Invitae indicates that this missense variant is not expected to disrupt MET protein function. This variant has not been reported in the literature in individuals affected with MET-related conditions. This variant is present in population databases (no rsID available, gnomAD 0.004%). This sequence change replaces alanine, which is neutral and non-polar, with serine, which is neutral and polar, at codon 347 of the MET protein (p.Ala347Ser).